The following is an entry in ClinVar:

ClinVar aggregate classification (germline): Uncertain significance (1 of 4 stars; one submission).

Conditions:
Inborn genetic diseases. Identifiers: MedGen C0950123, MeSH D030342.

Submission:

Ambry Genetics
Classification: Uncertain significance for Inborn genetic diseases. Last evaluated: 2024-07-29. Review status: criteria provided, single submitter. Criteria: Ambry Variant Classification Scheme 2023. Collection method: clinical testing. Allele origin: germline.
Comment: The p.Q577K variant (also known as c.1729C>A), located in coding exon 7 of the ATR gene, results from a C to A substitution at nucleotide position 1729. The glutamine at codon 577 is replaced by lysine, an amino acid with similar properties. This amino acid position is conserved. In addition, this alteration is predicted to be tolerated by in silico analysis. Based on the available evidence, the clinical significance of this variant remains unclear.

NM_001184.4(ATR):c.1729C>A (p.Gln577Lys)

Gene: ATR (ATR serine/threonine kinase; minus strand). Cytogenetic location: 3q23.
Variant type: single nucleotide variant.
Coding change: c.1729C>A on transcript NM_001184.4 (MANE Select); coding-DNA position 1729, C replaced by A.
Protein change: p.Gln577Lys; replaces glutamine 577 with lysine.
Molecular consequence: missense variant.
Genome position (GRCh38, 1-based): chr3:142,559,254, G>T on the plus strand (C>A on the coding strand, the complement: ATR is on the minus strand). VCF-style: chr3-142559254-G-T. GRCh37 (hg19) VCF-style: chr3-142278096-G-T.
Other names: c.1537C>A, p.Gln513Lys (NM_001354579.2); short protein forms Q513K, Q577K.
Identifiers: ClinVar variation 3461909 (VCV003461909.1).